The following is an entry in ClinVar:

NM_004260.4(RECQL4):c.2885+5G>C

Gene: RECQL4 (RecQ like helicase 4; minus strand). Cytogenetic location: 8q24.3.
Variant type: single nucleotide variant.
Coding change: c.2885+5G>C on transcript NM_004260.4 (MANE Select); 5 bases into the intron after coding-DNA position 2885, G replaced by C.
Molecular consequence: intron variant.
Genome position (GRCh38, 1-based): chr8:144,512,637, C>G on the plus strand (G>C on the coding strand, the complement: RECQL4 is on the minus strand). VCF-style: chr8-144512637-C-G. GRCh37 (hg19) VCF-style: chr8-145738020-C-G.
Other names: c.2756+5G>C (NM_001413025.1); c.2534+5G>C (NM_001413029.1); c.1748+5G>C (NM_001413032.1, NM_001413027.1, NM_001413030.1); c.1814+5G>C (NM_001413035.1, NM_001413040.1, NM_001413021.1 and 4 more transcripts); c.2591+5G>C (NM_001413017.1); c.2789+5G>C (NM_001413020.1); c.2855+5G>C (NM_001413039.1); c.2753+5G>C (NM_001413033.1); and 9 more.
Identifiers: ClinVar variation 2796305 (VCV002796305.3), dbSNP rs750560547, ClinGen allele CA463566587.

ClinVar aggregate classification (germline): Uncertain significance (1 of 4 stars; one submission).

Conditions:
Baller-Gerold syndrome (BGS). Also called: CRANIOSYNOSTOSIS WITH RADIAL DEFECTS. Identifiers: Orphanet 1225, MedGen C0265308, MONDO:0009039, OMIM 218600.

Submission:

Labcorp Genetics (formerly Invitae), Labcorp
Classification: Uncertain significance for Baller-Gerold syndrome. Last evaluated: 2023-01-25. Review status: criteria provided, single submitter. Criteria: Invitae Variant Classification Sherloc (09022015). Collection method: clinical testing. Allele origin: germline.
Comment: This variant has not been reported in the literature in individuals affected with RECQL4-related conditions. This variant is not present in population databases (gnomAD no frequency). This sequence change falls in intron 16 of the RECQL4 gene. It does not directly change the encoded amino acid sequence of the RECQL4 protein. It affects a nucleotide within the consensus splice site. In summary, the available evidence is currently insufficient to determine the role of this variant in disease. Therefore, it has been classified as a Variant of Uncertain Significance. Variants that disrupt the consensus splice site are a relatively common cause of aberrant splicing (PMID: 17576681, 9536098). Algorithms developed to predict the effect of sequence changes on RNA splicing suggest that this variant may create or strengthen a splice site.

Literature cited by the submitters: PubMed 17576681; PubMed 9536098.